The following is an entry in ClinVar:

ClinVar aggregate classification (germline): Uncertain significance. Review status: criteria provided, multiple submitters, no conflicts (2 of 4 stars). 2 submissions from 2 submitters: Uncertain significance (2). Last evaluated 2024-12-02.

Conditions:
Developmental and epileptic encephalopathy, 9 (DEE9). Also called: JUBERG-HELLMAN SYNDROME; Early infantile epileptic encephalopathy 9; PCDH19-Related X-Linked Female-Limited Epilepsy with Mental Retardation; EPILEPSY, FEMALE-RESTRICTED, WITH MENTAL RETARDATION. Identifiers: Orphanet 101039, Orphanet 2076, MedGen C1848137, MONDO:0010246, OMIM 300088. Disease mechanism: loss of function.

Allele frequency attached by ClinVar (database versions not stated): gnomAD exomes 0.00001 and 0.00003; ExAC 0.00003; TOPMed 0.00003; gnomAD 0.00004; ESP Exome Variant Server 0.00010.
gnomAD v4.1: 11 of 1,209,235 alleles (0.00091%); highest among the groups gnomAD compares: African/African-American, 0.0088%; no homozygotes.

Submissions (2):

Labcorp Genetics (formerly Invitae), Labcorp
Classification: Uncertain significance for Developmental and epileptic encephalopathy, 9. Last evaluated: 2024-12-02. Review status: criteria provided, single submitter. Criteria: Invitae Variant Classification Sherloc (09022015). Collection method: clinical testing. Allele origin: germline.
Comment: This sequence change replaces alanine, which is neutral and non-polar, with valine, which is neutral and non-polar, at codon 992 of the PCDH19 protein (p.Ala992Val). This variant is present in population databases (rs371109150, gnomAD 0.03%). This variant has not been reported in the literature in individuals affected with PCDH19-related conditions. ClinVar contains an entry for this variant (Variation ID: 374533). Invitae Evidence Modeling of protein sequence and biophysical properties (such as structural, functional, and spatial information, amino acid conservation, physicochemical variation, residue mobility, and thermodynamic stability) indicates that this missense variant is not expected to disrupt PCDH19 protein function with a negative predictive value of 95%. In summary, the available evidence is currently insufficient to determine the role of this variant in disease. Therefore, it has been classified as a Variant of Uncertain Significance.

CeGaT Center for Human Genetics Tuebingen
Classification: Uncertain significance. Last evaluated: 2016-09-01. Review status: criteria provided, single submitter. Criteria: CeGaT Center For Human Genetics Tuebingen Variant Classification Criteria Version 2. Collection method: clinical testing. Allele origin: germline. Affected: yes. Observed: 1 variant allele.

NM_001184880.2(PCDH19):c.2975C>T (p.Ala992Val)

Gene: PCDH19 (protocadherin 19; minus strand). Cytogenetic location: Xq22.1.
Variant type: single nucleotide variant.
Coding change: c.2975C>T on transcript NM_001184880.2 (MANE Select); coding-DNA position 2975, C replaced by T.
Protein change: p.Ala992Val; replaces alanine 992 with valine.
Molecular consequence: missense variant.
Genome position (GRCh38, 1-based): chrX:100,296,749, G>A on the plus strand (C>T on the coding strand, the complement: PCDH19 is on the minus strand). VCF-style: chrX-100296749-G-A. GRCh37 (hg19) VCF-style: chrX-99551747-G-A.
Other names: c.2834C>T, p.Ala945Val (NM_001105243.2); c.2831C>T, p.Ala944Val (NM_020766.3); short protein forms A992V, A944V, A945V.
Identifiers: ClinVar variation 374533 (VCV000374533.51), dbSNP rs371109150, ClinGen allele CA10468684.